The following is an entry in ClinVar:

NM_001099667.3(ARMS2):c.205G>T (p.Ala69Ser)

Genes: ARMS2 (age-related maculopathy susceptibility 2; plus strand), HTRA1-AS1 (HTRA1 and ARMS2 antisense RNA 1; minus strand). Cytogenetic location: 10q26.13.
Variant type: single nucleotide variant.
Coding change: c.205G>T on transcript NM_001099667.3 (MANE Select); coding-DNA position 205, G replaced by T.
Protein change: p.Ala69Ser; replaces alanine 69 with serine.
Molecular consequence: missense variant.
Genome position (GRCh38, 1-based): chr10:122,454,932, G>T. VCF-style: chr10-122454932-G-T. GRCh37 (hg19) VCF-style: chr10-124214448-G-T.
Other names: short protein forms A69S.
Identifiers: ClinVar variation 979 (VCV000000979.10), dbSNP rs10490924, ClinGen allele CA114686.
Genomic context (GRCh38, chr10:122,454,932, plus strand): 5'-GAAGGAGCCAGTGACAAGCAGAGGAGCAAACTGTCTTTATCACACTCCATGATCCCAGCT[G>T]CTAAAATCCACACTGAGCTCTGCTTACCAGCCTTCTTCTCTCCTGCTGGAACCCAGAGGA-3'
Protein context (NP_001093137.1, residues 59-79): LSLSHSMIPA[Ala69Ser]KIHTELCLPA

ClinVar aggregate classification (germline): Benign. Review status: criteria provided, multiple submitters, no conflicts (2 of 4 stars). 7 submissions from 7 submitters: Benign (3). 4 of the submissions do not count toward it. Last evaluated 2019-10-17.

Conditions:
ARMS2-related disorder. Also called: ARMS2-related condition.
Age related macular degeneration 8. Identifiers: MedGen C3151070, MONDO:0013416, OMIM 613778.

Allele frequency attached by ClinVar (database versions not stated): gnomAD 0.22973 and 0.23418; gnomAD exomes 0.22986 and 0.25530; TOPMed 0.23619; ExAC 0.25502; 1000 Genomes Project 30x 0.27983; 1000 Genomes Project 0.28654.
gnomAD v4.1: 372,235 of 1,613,268 alleles (23%); highest among the groups gnomAD compares: East Asian, 39%; 44,676 homozygotes.

Submissions (7):

GeneDx
Classification: Benign. Last evaluated: 2019-10-17. Review status: criteria provided, single submitter. Criteria: GeneDx Variant Classification Process June 2021. Collection method: clinical testing. Allele origin: germline. Affected: yes.
Comment: This variant is associated with the following publications: (PMID: 17903296, 30389424, 28173125, 16642439, 23274582, 24036949, 20664795, 21203342, 21031019, 22232482, 21825189, 19823576, 19898184, 21397333, 16174643, 20688737, 16936732, 20378180, 20042647, 20381870, 17884985, 20574013, 19933195, 19268887, 21236409, 22893087, 18164066, 23326481, 22509112, 23112567, 21106043)

Illumina Laboratory Services, Illumina
Classification: Benign for Age related macular degeneration 8. Last evaluated: 2018-03-06. Review status: criteria provided, single submitter. Criteria: ICSL Variant Classification Criteria 13 December 2019. Collection method: clinical testing. Allele origin: germline.
Comment: This variant was observed in the ICSL laboratory as part of a predisposition screen in an ostensibly healthy population. It had not been previously curated by ICSL or reported in the Human Gene Mutation Database (HGMD: prior to June 1st, 2018), and was therefore a candidate for classification through an automated scoring system. Utilizing variant allele frequency, disease prevalence and penetrance estimates, and inheritance mode, an automated score was calculated to assess if this variant is too frequent to cause the disease. Based on the score and internal cut-off values, a variant classified as benign is not then subjected to further curation. The score for this variant resulted in a classification of benign for this disease.

Breakthrough Genomics
Classification: Benign. Review status: criteria provided, single submitter. Criteria: ACMG Guidelines, 2015. Collection method: not provided. Allele origin: germline. Inheritance: Unknown mechanism. Affected: yes.

PreventionGenetics, part of Exact Sciences
Classification: Benign for ARMS2-related condition. Last evaluated: 2019-09-11. Review status: no assertion criteria provided. Collection method: clinical testing. Allele origin: germline. Not counted in ClinVar's aggregate classification.
Comment: This variant is classified as benign based on ACMG/AMP sequence variant interpretation guidelines (Richards et al. 2015 PMID: 25741868, with internal and published modifications).

OMIM
Classification: risk factor for MACULAR DEGENERATION, AGE-RELATED, 8, SUSCEPTIBILITY TO. Last evaluated: 2013-04-01. Review status: no assertion criteria provided. Collection method: literature only. Allele origin: germline. Not counted in ClinVar's aggregate classification.

Department of Ophthalmology and Visual Sciences Kyoto University
No classification provided. Review status: no classification provided. Collection method: not provided. Allele origin: not provided. Not counted in ClinVar's aggregate classification.

Department of Pathology and Laboratory Medicine, Sinai Health System
Classification: Uncertain significance. Review status: no assertion criteria provided. Collection method: clinical testing. Allele origin: unknown. Affected: yes. Study: The Canadian Open Genetics Repository (COGR). Not counted in ClinVar's aggregate classification.

Literature cited by the submitters: PubMed 16174643 (cited by OMIM); PubMed 16642439 (cited by OMIM); PubMed 16936732 (cited by OMIM); PubMed 17884985 (cited by OMIM); PubMed 19259132 (cited by OMIM); PubMed 21670343 (cited by OMIM); PubMed 23455636 (cited by OMIM).